The following is an entry in ClinVar:

NM_000157.4(GBA1):c.1505+1G>T

Genes: GBA1 (glucosylceramidase beta 1; minus strand), LOC106627981 (GBA recombination region; plus strand). Cytogenetic location: 1q22.
Variant type: single nucleotide variant.
Coding change: c.1505+1G>T on transcript NM_000157.4 (MANE Select); the canonical splice donor site of the intron after coding-DNA position 1505, G replaced by T.
Molecular consequence: splice donor variant.
Genome position (GRCh38, 1-based): chr1:155,235,194, C>A on the plus strand (G>T on the coding strand, the complement: GBA1 is on the minus strand). VCF-style: chr1-155235194-C-A. GRCh37 (hg19) VCF-style: chr1-155204985-C-A.
Other names: c.1244+1G>T (NM_001171811.2); c.1505+1G>T (NM_001005742.3, NM_001005741.3); c.1358+1G>T (NM_001171812.2).
Identifiers: ClinVar variation 4817732 (VCV004817732.1).

ClinVar aggregate classification (germline): Likely pathogenic (1 of 4 stars; one submission).

Conditions:
Gaucher disease. Also called: Acute cerebral Gaucher disease; Cerebroside lipidosis syndrome; Gaucher splenomegaly; Sphingolipidosis 1; Glucocerebrosidosis; Glucosylceramidase deficiency. Identifiers: Orphanet 355, MedGen C0017205, MONDO:0018150.

Submission:

Natera, Inc.
Classification: Likely pathogenic for Gaucher disease. Last evaluated: 2025-10-04. Review status: criteria provided, single submitter. Criteria: Natera Variant Classification Schema (03/2026). Collection method: clinical testing. Allele origin: germline.
Comment: The c.1505+1G>T variant in GBA1 is a canonical splice donor site variant predicted to affect pre-mRNA splicing, which may result in an abnormal transcript and altered protein product. This variant is expected to result in nonsense mediated decay, truncation, or a dysfunctional protein product. This variant is rare in the general population with a frequency below the threshold expected for the associated phenotype(s). Given the available evidence, this variant is classified as Likely Pathogenic.